The following is an entry in ClinVar:

NM_001042681.2(RERE):c.3954_3955insATCCGGGAGCGTGAG (p.Glu1318_Leu1319insIleArgGluArgGlu)

Gene: RERE (arginine-glutamic acid dipeptide repeats; minus strand). Cytogenetic location: 1p36.23.
Variant type: Insertion.
Coding change: c.3954_3955insATCCGGGAGCGTGAG on transcript NM_001042681.2 (MANE Select); coding-DNA positions 3954 to 3955, ATCCGGGAGCGTGAG inserted.
Protein change: p.Glu1318_Leu1319insIleArgGluArgGlu.
Molecular consequence: inframe insertion.
Genome position: GRCh38 VCF-style: chr1-8358580-G-GCTCACGCTCCCGGAT. GRCh37 (hg19) VCF-style: chr1-8418640-G-GCTCACGCTCCCGGAT.
Other names: c.2292_2293insATCCGGGAGCGTGAG, p.Glu764_Leu765insIleArgGluArgGlu (NM_001042682.2); c.3954_3955insATCCGGGAGCGTGAG, p.Glu1318_Leu1319insIleArgGluArgGlu (NM_012102.4).
Identifiers: ClinVar variation 1923730 (VCV001923730.6), dbSNP rs759228432, ClinGen allele CA570934.
Genomic context (GRCh38, chr1:8,358,580, plus strand): 5'-GGTGCAGGGGGTCCAGCTCTGGGGGCTTCACCTCGAAGCCCGGCTTCATCCTCTCCCGCA[G>GCTCACGCTCCCGGAT]CTCCCGCTCTCGGATCTCCCGCTCTCGGATCTCCCGCTCCCGGAGCTCCCGCTCGCGGAT-3'

ClinVar aggregate classification (germline): Conflicting classifications of pathogenicity. Review status: criteria provided, conflicting classifications (1 of 4 stars). 2 submissions from 2 submitters: Uncertain significance (1); Likely benign (1). Last evaluated 2023-08-10.

Conditions:
Inborn genetic diseases. Identifiers: MedGen C0950123, MeSH D030342.

Submissions (2):

Labcorp Genetics (formerly Invitae), Labcorp
Classification: Uncertain significance. Last evaluated: 2023-08-10. Review status: criteria provided, single submitter. Criteria: Invitae Variant Classification Sherloc (09022015). Collection method: clinical testing. Allele origin: germline.
Comment: This variant, c.3954_3955insATCCGGGAGCGTGAG, results in the insertion of 5 amino acid(s) of the RERE protein (p.Ile1314_Glu1318dup), but otherwise preserves the integrity of the reading frame. This variant is present in population databases (rs759228432, gnomAD 0.01%). This variant has not been reported in the literature in individuals affected with RERE-related conditions. ClinVar contains an entry for this variant (Variation ID: 1923730). In summary, the available evidence is currently insufficient to determine the role of this variant in disease. Therefore, it has been classified as a Variant of Uncertain Significance.

Ambry Genetics
Classification: Likely benign for Inborn genetic diseases. Last evaluated: 2021-10-09. Review status: criteria provided, single submitter. Criteria: Ambry Variant Classification Scheme 2023. Collection method: clinical testing. Allele origin: germline.